The following is an entry in ClinVar:

ClinVar aggregate classification (germline): Benign. Review status: criteria provided, multiple submitters, no conflicts (2 of 4 stars). 5 submissions from 5 submitters: Benign (3). 2 of the submissions do not count toward it. Last evaluated 2026-02-04.

Conditions:
Primary dilated cardiomyopathy (DCM). Also called: Dilated Cardiomyopathy. Identifiers: Orphanet 217604, MedGen C0007193, MeSH D002311, MONDO:0005021, HP:0001644. Inheritance: Various modes of inheritance.

Allele frequency attached by ClinVar (database versions not stated): gnomAD 0.02112 and 0.02314; ESP Exome Variant Server 0.02198; TOPMed 0.02430; 1000 Genomes Project 30x 0.02951; 1000 Genomes Project 0.02975; ExAC 0.03101; gnomAD exomes 0.03181.
gnomAD v4.1: 49,718 of 1,604,982 alleles (3.1%); highest among the groups gnomAD compares: South Asian, 7.6%; 1,034 homozygotes.

Submissions (5):

Labcorp Genetics (formerly Invitae), Labcorp
Classification: Benign for Primary dilated cardiomyopathy. Last evaluated: 2026-02-04. Review status: criteria provided, single submitter. Criteria: Invitae Variant Classification Sherloc (09022015). Collection method: clinical testing. Allele origin: germline.

GeneDx
Classification: Benign. Last evaluated: 2016-10-04. Review status: criteria provided, single submitter. Criteria: GeneDx Variant Classification (06012015). Collection method: clinical testing. Allele origin: germline. Affected: yes.
Comment: This variant is considered likely benign or benign based on one or more of the following criteria: it is a conservative change, it occurs at a poorly conserved position in the protein, it is predicted to be benign by multiple in silico algorithms, and/or has population frequency not consistent with disease.

Breakthrough Genomics
Classification: Benign. Review status: criteria provided, single submitter. Criteria: ACMG Guidelines, 2015. Collection method: not provided. Allele origin: germline. Inheritance: Autosomal recessive inheritance. Affected: yes.

Diagnostic Laboratory, Department of Genetics, University Medical Center Groningen
Classification: Likely benign. Review status: no assertion criteria provided. Collection method: clinical testing. Allele origin: germline. Affected: yes. Study: VKGL Data-share Consensus. Not counted in ClinVar's aggregate classification.

Genome Diagnostics Laboratory, University Medical Center Utrecht
Classification: Benign. Review status: no assertion criteria provided. Collection method: clinical testing. Allele origin: germline. Affected: yes. Study: VKGL Data-share Consensus. Not counted in ClinVar's aggregate classification.

NM_006440.5(TXNRD2):c.374+13C>T

Gene: TXNRD2 (thioredoxin reductase 2; minus strand). Cytogenetic location: 22q11.21.
Variant type: single nucleotide variant.
Coding change: c.374+13C>T on transcript NM_006440.5 (MANE Select); 13 bases into the intron after coding-DNA position 374, C replaced by T.
Molecular consequence: intron variant.
Genome position (GRCh38, 1-based): chr22:19,918,847, G>A on the plus strand (C>T on the coding strand, the complement: TXNRD2 is on the minus strand). VCF-style: chr22-19918847-G-A. GRCh37 (hg19) VCF-style: chr22-19906370-G-A.
Other names: c.371+13C>T (NM_001352300.2); c.86+13C>T (NM_001352302.2); c.284+13C>T (NM_001352301.2); c.374+13C>T (NM_001282512.3); c.278+13C>T (NM_001352303.2).
Identifiers: ClinVar variation 384724 (VCV000384724.14), dbSNP rs9606178, ClinGen allele CA10104247.